The following is an entry in ClinVar:

NM_001114753.3(ENG):c.1434_1435del (p.Arg478fs)

Genes: ENG (endoglin; minus strand), LOC102723566 (uncharacterized LOC102723566; plus strand). Cytogenetic location: 9q34.11.
Variant type: Microsatellite.
Coding change: c.1434_1435del on transcript NM_001114753.3 (MANE Select); coding-DNA positions 1434 to 1435, 2 bases deleted (AG; older notation c.1434_1435delAG).
Protein change: p.Arg478fs; shifts the reading frame from arginine 478.
Molecular consequence: frameshift variant. On other transcripts: non-coding transcript variant (1).
Genome position (GRCh38, 1-based): chr9:127,818,371-127,818,372, CT deleted on the plus strand (AG on the coding strand, the reverse complement: ENG is on the minus strand); deleting any 2 consecutive bases within chr9:127,818,371-127,818,374 gives the same sequence; the c. name uses the placement nearest the transcript's 3' end. VCF-style (leftmost placement, unchanged base first): chr9-127818370-ACT-A. GRCh37 (hg19) VCF-style: chr9-130580649-ACT-A.
Other names: p.Arg478Serfs*22; c.1432_1433AG[1], p.Arg478Serfs (NM_000118.4, NM_001114753.2); c.888_889del, p.Arg296fs (NM_001278138.2); c.1434_1435del (NM_001114753.2); c.1434_1435delAG (NM_000118.3); short protein forms R296fs, R478fs.
Identifiers: ClinVar variation 578331 (VCV000578331.53), dbSNP rs1564452747, ClinGen allele CA891842555.

ClinVar aggregate classification (germline): Pathogenic. Review status: criteria provided, multiple submitters, no conflicts (2 of 4 stars). 9 submissions from 9 submitters: Pathogenic (9). Last evaluated 2026-01-13.

Conditions:
ENG-related disorder. Also called: ENG-related disorders; ENG-related condition.
Cardiovascular phenotype. Identifiers: MedGen CN230736.
Telangiectasia, hereditary hemorrhagic, type 1 (HHT1). Also called: Osler Weber Rendu syndrome type 1; ENG-Related Hereditary Hemorrhagic Telangiectasia. Identifiers: Orphanet 774, MedGen C4551861, MONDO:0008535, OMIM 187300. Disease mechanism: loss of function.
Hereditary hemorrhagic telangiectasia (HHT). Also called: Osler hemorrhagic telangiectasia syndrome; ORW DISEASE; Osler Weber Rendu syndrome; OSLER-RENDU-WEBER DISEASE. Identifiers: Orphanet 774, MedGen C0039445, MONDO:0019180. Disease mechanism: loss of function.

Submissions (9):

Labcorp Genetics (formerly Invitae), Labcorp
Classification: Pathogenic for Hereditary hemorrhagic telangiectasia. Last evaluated: 2026-01-13. Review status: criteria provided, single submitter. Criteria: Invitae Variant Classification Sherloc (09022015). Collection method: clinical testing. Allele origin: germline.
Comment: This sequence change creates a premature translational stop signal (p.Arg478Serfs*22) in the ENG gene. It is expected to result in an absent or disrupted protein product. Loss-of-function variants in ENG are known to be pathogenic (PMID: 15879500). This variant is not present in population databases (gnomAD no frequency). This premature translational stop signal has been observed in individual(s) with hereditary hemorrhagic telangiectasia (PMID: 9554745, 15880681). ClinVar contains an entry for this variant (Variation ID: 578331). For these reasons, this variant has been classified as Pathogenic.

Victorian Clinical Genetics Services, Murdoch Childrens Research Institute
Classification: Pathogenic for Telangiectasia, hereditary hemorrhagic, type 1. Last evaluated: 2025-11-13. Review status: criteria provided, single submitter. Criteria: ACMG Guidelines, 2015. Collection method: clinical testing. Allele origin: germline. Affected: yes.
Comment: This variant is classified as Pathogenic. Evidence in support of pathogenic classification: Variant is predicted to cause nonsense-mediated decay (NMD) and loss of protein (premature termination codon is located at least 54 nucleotides upstream of the final exon-exon junction); Variant is absent from gnomAD (v2, v3 and v4); This variant has strong previous evidence of pathogenicity in unrelated individuals. This variant has been classified as pathogenic by clinical laboratories in ClinVar; Other NMD-predicted variant(s) comparable to the one identified in this case have very strong previous evidence for pathogenicity (DECIPHER). Additional information: This variant is heterozygous; This gene is associated with autosomal dominant disease; Dominant negative and loss of function are known mechanisms of disease in this gene and are associated with type 1 hereditary haemorrhagic telangiectasia (MIM#187300). Pathogenic missense variants have been demonstrated to have dominant negative and loss of function effects, while premature termination variants are associated with a loss of function mechanism (PMIDs: 25080347, 25312062); The condition associated with this gene has incomplete penetrance. Age-dependent penetrance has been reported, with the presence of one clinical manifestation approaching 100% by age 35 (ClinGen HHT expert panel); Variants in this gene are known to have variable expressivity. Clinical expression is highly variable with many affected individuals remaining undiagnosed (ClinGen HHT expert panel); Inheritance information for this variant is not currently available in this individual.

Genomic Medicine Center of Excellence, King Faisal Specialist Hospital and Research Centre
Classification: Pathogenic for Telangiectasia, hereditary hemorrhagic, type 1. Last evaluated: 2024-09-22. Review status: criteria provided, single submitter. Criteria: ACMG Guidelines, 2015. Collection method: clinical testing. Allele origin: germline.

Clinical Genetics Laboratory, Skane University Hospital Lund
Classification: Pathogenic. Last evaluated: 2023-12-06. Review status: criteria provided, single submitter. Criteria: ACMG Guidelines, 2015. Collection method: clinical testing. Allele origin: germline. Affected: yes.

CeGaT Center for Human Genetics Tuebingen
Classification: Pathogenic. Last evaluated: 2022-12-01. Review status: criteria provided, single submitter. Criteria: CeGaT Center For Human Genetics Tuebingen Variant Classification Criteria Version 2. Collection method: clinical testing. Allele origin: germline. Affected: yes. Observed: 3 variant alleles.

Mayo Clinic Laboratories, Mayo Clinic
Classification: Pathogenic. Last evaluated: 2022-10-11. Review status: criteria provided, single submitter. Criteria: ACMG Guidelines, 2015. Collection method: clinical testing. Allele origin: germline. Observed: 1 variant allele.
Comment: PM2_supporting, PS4_moderate, PVS1

Blueprint Genetics
Classification: Pathogenic for ENG-related disorders. Last evaluated: 2021-12-13. Review status: criteria provided, single submitter. Criteria: ACMG Guidelines, 2015. Collection method: clinical testing. Allele origin: germline. Affected: yes. Observed: 4 variant alleles.

ARUP Laboratories, Molecular Genetics and Genomics, ARUP Laboratories
Classification: Pathogenic for Telangiectasia, hereditary hemorrhagic, type 1. Last evaluated: 2021-01-05. Review status: criteria provided, single submitter. Criteria: ARUP Molecular Germline Variant Investigation Process 2021. Collection method: clinical testing. Allele origin: germline.
Comment: The ENG c.1434_1435delAG; p.Arg478SerfsTer22 variant (rs1564452747), also known as c.1432-1433delAG, is reported in the literature in multiple individuals affected with HHT (Gallione 1998, Schulte 2005). This variant is reported in ClinVar (Variation ID: 578331), and is absent from the Genome Aggregation Database, indicating it is not a common polymorphism. This variant causes a frameshift by deleting 2 nucleotides, so it is predicted to result in a truncated protein or mRNA subject to nonsense-mediated decay. Based on available information, this variant is considered to be pathogenic. References: Gallione CJ et al. Mutation and expression analysis of the endoglin gene in hereditary hemorrhagic telangiectasia reveals null alleles. Hum Mutat. 1998;11(4):286-94. PMID: 9554745. Schulte C et al. High frequency of ENG and ALK1/ACVRL1 mutations in German HHT patients. Hum Mutat. 2005 Jun;25(6):595. PMID: 15880681.

Ambry Genetics
Classification: Pathogenic for Cardiovascular phenotype. Last evaluated: 2020-03-20. Review status: criteria provided, single submitter. Criteria: Ambry Variant Classification Scheme 2023. Collection method: clinical testing. Allele origin: germline.
Comment: The c.1434_1435delAG pathogenic mutation, located in coding exon 12 of the ENG gene, results from a deletion of two nucleotides between nucleotide positions 1434 and 1435, causing a translational frameshift with a predicted alternate stop codon. This pathogenic mutation has been seen in multiple individuals with a diagnosis of hereditary hemorrhagic telangiectasia in both Dutch and German populations (Gallione CJ et al. Hum. Mutat. 1998; 11:286-94, Schulte C et al. Hum. Mutat. 2005; 25:595). In addition to the clinical data presented in the literature, this alteration is expected to result in loss of function by premature protein truncation or nonsense-mediated mRNA decay. As such, this alteration is interpreted as a disease-causing mutation.

Literature cited by the submitters: PubMed 15879500 (cited by Labcorp Genetics (formerly Invitae), Labcorp); PubMed 9554745 (cited by 3 submitters); PubMed 15880681 (cited by Labcorp Genetics (formerly Invitae), Labcorp and Ambry Genetics); PubMed 25312062 (cited by Victorian Clinical Genetics Services, Murdoch Childrens Research Institute); PubMed 25080347 (cited by Victorian Clinical Genetics Services, Murdoch Childrens Research Institute); PubMed 32503579 (cited by Mayo Clinic Laboratories, Mayo Clinic).